The following is an entry in ClinVar:

ClinVar aggregate classification (germline): Benign (1 of 4 stars; one submission).

Submission:

CeGaT Center for Human Genetics Tuebingen
Classification: Benign. Last evaluated: 2022-10-01. Review status: criteria provided, single submitter. Criteria: CeGaT Center For Human Genetics Tuebingen Variant Classification Criteria Version 2. Collection method: clinical testing. Allele origin: germline. Affected: yes. Observed: 2 variant alleles.
Comment: HRAS: BS1, BS2

NC_000011.10:g.530895G>C

Genes: HRAS (HRas proto-oncogene, GTPase; minus strand), LRRC56 (leucine rich repeat containing 56; plus strand). Cytogenetic location: 11p15.5.
Variant type: single nucleotide variant.
Genome position: GRCh38 VCF-style: chr11-530895-G-C. GRCh37 (hg19) VCF-style: chr11-530895-G-C.
Identifiers: ClinVar variation 2641064 (VCV002641064.24), dbSNP rs1437411234, ClinGen allele CA596788934.